The following is an entry in ClinVar:

ClinVar aggregate classification (germline): Uncertain significance (1 of 4 stars; one submission).

Conditions:
Anemia, congenital dyserythropoietic, type 1a (CDAN1A). Also called: DYSERYTHROPOIETIC ANEMIA, CONGENITAL, TYPE Ia; CDAN1-Related Congenital Dyserythropoietic Anemia. Identifiers: MedGen C5574667, MONDO:0009135, OMIM 224120.

Submission:

Victorian Clinical Genetics Services, Murdoch Childrens Research Institute
Classification: Uncertain significance for Anemia, congenital dyserythropoietic, type 1a. Last evaluated: 2024-10-04. Review status: criteria provided, single submitter. Criteria: ACMG Guidelines, 2015. Collection method: clinical testing. Allele origin: germline. Affected: yes.
Comment: This variant is classified as VUS-3A. Evidence in support of pathogenic classification: Variant is absent from gnomAD (v2, v3 and v4); Missense variant predicted to be damaging by in silico tool or highly conserved with a major amino acid change; Strong phenotype match for this individual. Additional information: Variant is predicted to result in a missense amino acid change from leucine to proline; This variant is homozygous; This gene is associated with autosomal recessive disease; This variant has no previous evidence of pathogenicity; No published segregation evidence has been identified for this variant; No published functional evidence has been identified for this variant; No comparable missense variants have previous evidence for pathogenicity; Variant is not located in an established domain, motif, hotspot or informative constraint region; Loss of function is a known mechanism of disease in this gene and is associated with congenital dyserythropoietic anemia, type Ia (MIM#224120); Variants in this gene are known to have variable expressivity. Marked clinical variability has been observed in individuals with the same variant (PMID: 20301759).

Literature cited by the submitters: PubMed 20301759.

NM_138477.4(CDAN1):c.3209T>C (p.Leu1070Pro)

Gene: CDAN1 (codanin 1; minus strand). Cytogenetic location: 15q15.2.
Variant type: single nucleotide variant.
Coding change: c.3209T>C on transcript NM_138477.4 (MANE Select); coding-DNA position 3209, T replaced by C.
Protein change: p.Leu1070Pro; replaces leucine 1070 with proline.
Molecular consequence: missense variant.
Genome position (GRCh38, 1-based): chr15:42,726,156, A>G on the plus strand (T>C on the coding strand, the complement: CDAN1 is on the minus strand). VCF-style: chr15-42726156-A-G. GRCh37 (hg19) VCF-style: chr15-43018354-A-G.
Other names: short protein forms L1070P.
Identifiers: ClinVar variation 4531498 (VCV004531498.1).